The following is an entry in ClinVar:

NM_001709.5(BDNF):c.530T>C (p.Leu177Pro)

Genes: BDNF (brain derived neurotrophic factor; minus strand), BDNF-AS (BDNF antisense RNA; plus strand). Cytogenetic location: 11p14.1.
Variant type: single nucleotide variant.
Coding change: c.530T>C on transcript NM_001709.5 (MANE Select); coding-DNA position 530, T replaced by C.
Protein change: p.Leu177Pro; replaces leucine 177 with proline.
Molecular consequence: missense variant.
Genome position (GRCh38, 1-based): chr11:27,658,035, A>G on the plus strand (T>C on the coding strand, the complement: BDNF is on the minus strand). VCF-style: chr11-27658035-A-G. GRCh37 (hg19) VCF-style: chr11-27679582-A-G.
Other names: c.530T>C, p.Leu177Pro (NM_001143805.1, NM_001143806.1, NM_001143807.2 and 9 more transcripts); c.617T>C, p.Leu206Pro (NM_001143809.2); c.776T>C, p.Leu259Pro (NM_001143810.2); c.554T>C, p.Leu185Pro (NM_170731.5); c.575T>C, p.Leu192Pro (NM_170734.4); short protein forms L177P, L259P, L192P, L185P, L206P.
Identifiers: ClinVar variation 5001706 (VCV005001706.1).
Genomic context (GRCh38, chr11:27,658,035, plus strand): 5'-CTGCAGCCTTCTTTTGTGTAACCCATGGGATTGCACTTGGTCTCGTAGAAGTATTGCTTC[A>G]GTTGGCCTTTTGATACAGGGACCTTTTCAAGGACTGTGACCGTCCCGCCCGACATGTCCA-3'
Protein context (NP_001700.2, residues 167-187): LEKVPVSKGQ[Leu177Pro]KQYFYETKCN

ClinVar aggregate classification (germline): Uncertain significance (1 of 4 stars; one submission).

Conditions:
BDNF-related disorder. Also called: BDNF-related condition.

Submission:

PreventionGenetics, part of Exact Sciences
Classification: Uncertain significance for BDNF-related condition. Last evaluated: 2025-03-05. Review status: criteria provided, single submitter. Criteria: ACMG Guidelines, 2015. Collection method: clinical testing. Allele origin: germline.
Comment: The BDNF c.776T>C variant is predicted to result in the amino acid substitution p.Leu259Pro. To our knowledge, this variant has not been reported in the literature or in a large population database (gnomAD), indicating this variant is rare. At this time, the clinical significance of this variant is uncertain due to the absence of conclusive functional and genetic evidence.